The following is an entry in ClinVar:

NM_001085049.3(MRAS):c.275A>G (p.Tyr92Cys)

Gene: MRAS (muscle RAS oncogene homolog; plus strand). Cytogenetic location: 3q22.3.
Variant type: single nucleotide variant.
Coding change: c.275A>G on transcript NM_001085049.3 (MANE Select); coding-DNA position 275, A replaced by G.
Protein change: p.Tyr92Cys; replaces tyrosine 92 with cysteine.
Molecular consequence: missense variant.
Genome position (GRCh38, 1-based): chr3:138,397,405, A>G. VCF-style: chr3-138397405-A-G. GRCh37 (hg19) VCF-style: chr3-138116247-A-G.
Other names: c.47A>G, p.Tyr16Cys (NM_001252093.2, NM_001252091.1, NM_001252092.2); c.275A>G, p.Tyr92Cys (NM_012219.4, NM_001252090.2); short protein forms Y16C, Y92C.
Identifiers: ClinVar variation 3686785 (VCV003686785.2).

ClinVar aggregate classification (germline): Uncertain significance (1 of 4 stars; one submission).

gnomAD v4.1: 3 of 1,613,990 alleles (0.00019%); highest among the groups gnomAD compares: African/African-American, 0.0013%; no homozygotes.

Submission:

Labcorp Genetics (formerly Invitae), Labcorp
Classification: Uncertain significance. Last evaluated: 2024-05-13. Review status: criteria provided, single submitter. Criteria: Invitae Variant Classification Sherloc (09022015). Collection method: clinical testing. Allele origin: germline.
Comment: This sequence change replaces tyrosine, which is neutral and polar, with cysteine, which is neutral and slightly polar, at codon 92 of the MRAS protein (p.Tyr92Cys). This variant is present in population databases (rs775370867, gnomAD 0.003%). This variant has not been reported in the literature in individuals affected with MRAS-related conditions. An algorithm developed to predict the effect of missense changes on protein structure and function (PolyPhen-2) suggests that this variant is likely to be disruptive. In summary, the available evidence is currently insufficient to determine the role of this variant in disease. Therefore, it has been classified as a Variant of Uncertain Significance.